The following is an entry in ClinVar:

NM_004628.5(XPC):c.2436_2437insA (p.Val813fs)

Gene: XPC (XPC complex subunit, DNA damage recognition and repair factor; minus strand). Cytogenetic location: 3p25.1.
Variant type: Insertion.
Coding change: c.2436_2437insA on transcript NM_004628.5 (MANE Select); coding-DNA positions 2436 to 2437, A inserted.
Protein change: p.Val813fs; shifts the reading frame from valine 813.
Molecular consequence: frameshift variant. On other transcripts: non-coding transcript variant (2).
Genome position: GRCh38 VCF-style: chr3-14147985-C-CT. GRCh37 (hg19) VCF-style: chr3-14189485-C-CT.
Other names: c.1857_1858insA, p.Val620fs (NM_001354726.2); c.2430_2431insA, p.Val811fs (NM_001354727.2); c.2418_2419insA, p.Val807fs (NM_001354729.2); c.2190_2191insA, p.Val731fs (NM_001354730.2); short protein forms V620fs, V807fs, V813fs, V731fs, V811fs.
Identifiers: ClinVar variation 5004793 (VCV005004793.1).
Genomic context (GRCh38, chr3:14,147,985, plus strand): 5'-CAATGACTGCCTGCTCATTTTCCCAGGCAGTCAGGAGCACGTCTTTGAATTCCTCGCAGA[C>CT]GATGTATCCATCAGTCCTGTGGGGACACAACGCGATGTCAACCCTCGAACCTGCTGCCTG-3'

ClinVar aggregate classification (germline): Pathogenic (1 of 4 stars; one submission).

Conditions:
Xeroderma pigmentosum, group C (XPC). Also called: XERODERMA PIGMENTOSUM III; XP, GROUP C; Xeroderma pigmentosum, complementation group C; XPC-Related Xeroderma Pigmentosum. Identifiers: Orphanet 910, MedGen C2752147, MONDO:0010211, OMIM 278720.

Submission:

Myriad Genetics, Inc.
Classification: Pathogenic for Xeroderma pigmentosum, group C. Last evaluated: 2026-07-17. Review status: criteria provided, single submitter. Criteria: Myriad Autosomal Dominant, Autosomal Recessive and X-Linked Classification Criteria (2023). Collection method: clinical testing. Allele origin: unknown.
Comment: NM_004628.4(XPC):c.2436_2437insA(V813Sfs*16) is a frameshift variant classified as pathogenic in the context of xeroderma pigmentosum group C. V813Sfs*16 has not been observed in cases with relevant disease. Relevant functional assessments of this variant are not available in the literature. V813Sfs*16 has not been observed in referenced population frequency databases. In summary, NM_004628.4(XPC):c.2436_2437insA(V813Sfs*16) is a frameshift variant in a gene where loss of function is a known mechanism of disease and is predicted to disrupt protein function. Please note: this variant was assessed in the context of healthy population screening.